The following is an entry in ClinVar:

NM_003119.4(SPG7):c.*441T>C

Gene: SPG7 (SPG7 matrix AAA peptidase subunit, paraplegin; plus strand). Cytogenetic location: 16q24.3.
Variant type: single nucleotide variant.
Coding change: c.*441T>C on transcript NM_003119.4 (MANE Select); 441 bases downstream of the stop codon, T replaced by C.
Molecular consequence: 3 prime UTR variant.
Genome position (GRCh38, 1-based): chr16:89,557,534, T>C. VCF-style: chr16-89557534-T-C. GRCh37 (hg19) VCF-style: chr16-89623942-T-C.
Other names: c.*607T>C (NM_001363850.1).
Identifiers: ClinVar variation 888439 (VCV000888439.4), dbSNP rs114306117, ClinGen allele CA286510332.
Genomic context (GRCh38, chr16:89,557,534, plus strand): 5'-GTTCCTGTGGCTCCCTCGGAATGCTAAGGGGATCGGACATGAAAGGACCCTGTGAGCCGA[T>C]TGTCCTATCTCCAGCGGCCCTGTCATCCAGCTCACTCATCAATGGGGCCAGTCAGGCCCA-3'

ClinVar aggregate classification (germline): Likely benign (1 of 4 stars; one submission).

Conditions:
Hereditary spastic paraplegia 7 (SPG7). Also called: SPG7-related neurologic disorder; Spastic paraplegia 7; Hereditary spastic paraplegia Paraplegin type; Autosomal recessive spastic paraplegia type 7; SPASTIC PARAPLEGIA 7, AUTOSOMAL RECESSIVE, WITH OR WITHOUT CEREBELLAR ATAXIA. Identifiers: Orphanet 99013, MedGen C1846564, MONDO:0011803, OMIM 607259.

Allele frequency attached by ClinVar (database versions not stated): gnomAD 0.00669 and 0.00720; TOPMed 0.00759; 1000 Genomes Project 0.00958; 1000 Genomes Project 30x 0.00984; gnomAD exomes 0.00096.
gnomAD v4.1: 1,062 of 212,282 alleles (0.5%); highest among the groups gnomAD compares: African/African-American, 2.3%; 20 homozygotes.

Submission:

Illumina Laboratory Services, Illumina
Classification: Likely benign for Hereditary spastic paraplegia 7. Last evaluated: 2018-01-13. Review status: criteria provided, single submitter. Criteria: ICSL Variant Classification Criteria 13 December 2019. Collection method: clinical testing. Allele origin: germline.
Comment: This variant was observed in the ICSL laboratory as part of a predisposition screen in an ostensibly healthy population. It had not been previously curated by ICSL or reported in the Human Gene Mutation Database (HGMD: prior to June 1st, 2018), and was therefore a candidate for classification through an automated scoring system. Utilizing variant allele frequency, disease prevalence and penetrance estimates, and inheritance mode, an automated score was calculated to assess if this variant is too frequent to cause the disease. Based on the score and internal cut-off values, a variant classified as likely benign is not then subjected to further curation. The score for this variant resulted in a classification of likely benign for this disease.